The following is an entry in ClinVar:

NM_001164508.2(NEB):c.22183G>A (p.Val7395Ile)

Genes: NEB (nebulin; minus strand), RIF1 (replication timing regulatory factor 1; plus strand). Cytogenetic location: 2q23.3.
Variant type: single nucleotide variant.
Coding change: c.22183G>A on transcript NM_001164508.2 (MANE Select); coding-DNA position 22183, G replaced by A.
Protein change: p.Val7395Ile; replaces valine 7395 with isoleucine.
Molecular consequence: missense variant.
Genome position (GRCh38, 1-based): chr2:151,525,252, C>T on the plus strand (G>A on the coding strand, the complement: NEB is on the minus strand). VCF-style: chr2-151525252-C-T. GRCh37 (hg19) VCF-style: chr2-152381766-C-T.
Other names: c.22183G>A, p.Val7395Ile (NM_001164507.2); c.22288G>A, p.Val7430Ile (NM_001271208.2); c.17080G>A, p.Val5694Ile (NM_004543.5); short protein forms V7430I, V7395I, V5694I.
Identifiers: ClinVar variation 465561 (VCV000465561.14), dbSNP rs1396168176, ClinGen allele CA348765759.

ClinVar aggregate classification (germline): Conflicting classifications of pathogenicity. Review status: criteria provided, conflicting classifications (1 of 4 stars). 4 submissions from 4 submitters: Uncertain significance (2); Likely benign (1). 1 of the submissions does not count toward it. Last evaluated 2025-05-06.

Conditions:
Nemaline myopathy 2 (NEM2). Also called: Nemaline myopathy 2, autosomal recessive. Identifiers: MedGen C1850569, MONDO:0009725, OMIM 256030.

Allele frequency attached by ClinVar (database versions not stated): gnomAD exomes below 0.00001; gnomAD 0.00004 and 0.00005; TOPMed 0.00005.
gnomAD v4.1: 11 of 1,613,358 alleles (0.00068%); highest among the groups gnomAD compares: African/African-American, 0.012%; no homozygotes.

Submissions (4):

Labcorp Genetics (formerly Invitae), Labcorp
Classification: Likely benign for Nemaline myopathy 2. Last evaluated: 2025-05-06. Review status: criteria provided, single submitter. Criteria: Invitae Variant Classification Sherloc (09022015). Collection method: clinical testing. Allele origin: germline.

Athena Diagnostics
Classification: Uncertain significance. Last evaluated: 2023-07-13. Review status: criteria provided, single submitter. Criteria: Athena Diagnostics Criteria. Collection method: clinical testing. Allele origin: unknown.
Comment: Available data are insufficient to determine the clinical significance of the variant at this time. The frequency of this variant in the general population is uninformative in assessment of its pathogenicity. Computational tools predict that this variant is not damaging.

Eurofins Ntd Llc (ga)
Classification: Uncertain significance. Last evaluated: 2017-02-09. Review status: criteria provided, single submitter. Criteria: EGL Classification Definitions 2015. Collection method: clinical testing. Allele origin: germline. Observed: 2 variant alleles, 2 heterozygotes.

Natera, Inc.
Classification: Uncertain significance for Nemaline myopathy type 2. Last evaluated: 2020-12-17. Review status: no assertion criteria provided. Collection method: clinical testing. Allele origin: germline. Not counted in ClinVar's aggregate classification.